The following is an entry in ClinVar:

ClinVar aggregate classification (germline): Uncertain significance (1 of 4 stars; one submission).

gnomAD v4.1: 2 of 1,614,002 alleles (0.00012%); highest among the groups gnomAD compares: African/African-American, 0.0013%; no homozygotes.

Submission:

GeneDx
Classification: Uncertain significance. Last evaluated: 2017-01-20. Review status: criteria provided, single submitter. Criteria: GeneDx Variant Classification (06012015). Collection method: clinical testing. Allele origin: germline. Affected: yes.
Comment: The D83E variant in the BCKDK gene has not been reported previously as a pathogenic variant, noras a benign variant, to our knowledge. The D83E variant was not observed in approximately 6500individuals of European and African American ancestry in the NHLBI Exome Sequencing Project,indicating it is not a common benign variant in these populations. The D83E variant is a conservativeamino acid substitution, which is not likely to impact secondary protein structure as these residuesshare similar properties. However, this substitution occurs at a position that is conserved across species and in silico analysis predicts this variant is probably damaging to the protein structure/function. Weinterpret D83E as a variant of uncertain significance.

NM_005881.4(BCKDK):c.249C>A (p.Asp83Glu)

Gene: BCKDK (branched chain keto acid dehydrogenase kinase; plus strand). Cytogenetic location: 16p11.2.
Variant type: single nucleotide variant.
Coding change: c.249C>A on transcript NM_005881.4 (MANE Select); coding-DNA position 249, C replaced by A.
Protein change: p.Asp83Glu; replaces aspartic acid 83 with glutamic acid.
Molecular consequence: missense variant.
Genome position (GRCh38, 1-based): chr16:31,109,564, C>A. VCF-style: chr16-31109564-C-A. GRCh37 (hg19) VCF-style: chr16-31120885-C-A.
Other names: c.249C>A, p.Asp83Glu (NM_001122957.4, NM_001271926.3); short protein forms D83E.
Identifiers: ClinVar variation 392925 (VCV000392925.2), dbSNP rs138821043, ClinGen allele CA16607023.